The following is an entry in ClinVar:

ClinVar aggregate classification (germline): Uncertain significance. Review status: criteria provided, multiple submitters, no conflicts (2 of 4 stars). 4 submissions from 4 submitters: Uncertain significance (4). Last evaluated 2026-04-28.

Conditions:
X-linked Alport syndrome (ATS1). Also called: NEPHROPATHY AND DEAFNESS, X-LINKED; COL4A5-Related Nephropathy. Identifiers: Orphanet 63, Orphanet 88917, MedGen C4746986, MONDO:0010520, OMIM 301050.

Allele frequency attached by ClinVar (database versions not stated): gnomAD exomes 0.00001.
gnomAD v4.1: 8 of 1,207,769 alleles (0.00066%); highest among the groups gnomAD compares: Non-Finnish European, 0.00089%; no homozygotes.

Submissions (4):

Clinical Genomics Laboratory, Washington University in St. Louis
Classification: Uncertain significance for X-linked Alport syndrome. Last evaluated: 2026-04-28. Review status: criteria provided, single submitter. Criteria: ACMG Guidelines, 2015. Collection method: clinical testing. Allele origin: germline.
Comment: The COL4A5 c.2003C>T (p.Pro668Leu) variant, to our knowledge, has not been reported in the medical literature. This variant has been reported in the ClinVar database as a germline variant of uncertain significance by three submitters. This variant is only observed in 1/21057 alleles in the general population (gnomAD v2.1.1), indicating it is not a common variant. Computational predictors indicate that the variant is damaging, evidence that correlates with impact to COL4A5 function. Due to limited information, and based on ACMG/AMP guidelines for variant interpretation (Richards S et al., PMID: 25741868), the clinical significance of this variant is uncertain at this time.

Fulgent Genetics
Classification: Uncertain significance for X-linked Alport syndrome. Last evaluated: 2024-04-15. Review status: criteria provided, single submitter. Criteria: ACMG Guidelines, 2015. Collection method: clinical testing. Allele origin: germline.

Athena Diagnostics
Classification: Uncertain significance. Last evaluated: 2022-02-11. Review status: criteria provided, single submitter. Criteria: Athena Diagnostics Criteria. Collection method: clinical testing. Allele origin: unknown.

Labcorp Genetics (formerly Invitae), Labcorp
Classification: Uncertain significance. Last evaluated: 2021-12-23. Review status: criteria provided, single submitter. Criteria: Invitae Variant Classification Sherloc (09022015). Collection method: clinical testing. Allele origin: germline.
Comment: This sequence change replaces proline, which is neutral and non-polar, with leucine, which is neutral and non-polar, at codon 668 of the COL4A5 protein (p.Pro668Leu). This variant is not present in population databases (gnomAD no frequency). This variant has not been reported in the literature in individuals affected with COL4A5-related conditions. Advanced modeling of protein sequence and biophysical properties (such as structural, functional, and spatial information, amino acid conservation, physicochemical variation, residue mobility, and thermodynamic stability) performed at Invitae indicates that this missense variant is not expected to disrupt COL4A5 protein function. In summary, the available evidence is currently insufficient to determine the role of this variant in disease. Therefore, it has been classified as a Variant of Uncertain Significance.

NM_033380.3(COL4A5):c.2003C>T (p.Pro668Leu)

Gene: COL4A5 (collagen type IV alpha 5 chain; plus strand). Cytogenetic location: Xq22.3.
Variant type: single nucleotide variant.
Coding change: c.2003C>T on transcript NM_033380.3 (MANE Select); coding-DNA position 2003, C replaced by T.
Protein change: p.Pro668Leu; replaces proline 668 with leucine.
Molecular consequence: missense variant.
Genome position (GRCh38, 1-based): chrX:108,601,447, C>T. VCF-style: chrX-108601447-C-T. GRCh37 (hg19) VCF-style: chrX-107844677-C-T.
Other names: c.2003C>T, p.Pro668Leu (NM_000495.5); short protein forms P668L.
Identifiers: ClinVar variation 1807134 (VCV001807134.5), dbSNP rs1569494888, ClinGen allele CA413846809.
Genomic context (GRCh38, chrX:108,601,447, plus strand): 5'-TTTCAGGTCCTAAAGGGGATCCAGGTCAGACTATAACCCAGCCGGGGAAGCCTGGCTTGC[C>T]TGGTAACCCAGGCAGAGATGGTGATGTAGGTCTTCCAGGTATGTGAGGAATTTATTTCAA-3'
Protein context (NP_203699.1, residues 658-678): TITQPGKPGL[Pro668Leu]GNPGRDGDVG